The following is an entry in ClinVar:

ClinVar aggregate classification (germline): Likely pathogenic (1 of 4 stars; one submission).

Submission:

Labcorp Genetics (formerly Invitae), Labcorp
Classification: Likely pathogenic. Last evaluated: 2024-02-29. Review status: criteria provided, single submitter. Criteria: Invitae Variant Classification Sherloc (09022015). Collection method: clinical testing. Allele origin: germline.
Comment: This sequence change affects an acceptor splice site in intron 7 of the RORB gene. It is expected to disrupt RNA splicing. Variants that disrupt the donor or acceptor splice site typically lead to a loss of protein function (PMID: 16199547), and loss-of-function variants in RORB are known to be pathogenic (PMID: 27352968). This variant is not present in population databases (gnomAD no frequency). This variant has not been reported in the literature in individuals affected with RORB-related conditions. ClinVar contains an entry for this variant (Variation ID: 1067925). Algorithms developed to predict the effect of sequence changes on RNA splicing suggest that this variant may disrupt the consensus splice site. In summary, the currently available evidence indicates that the variant is pathogenic, but additional data are needed to prove that conclusively. Therefore, this variant has been classified as Likely Pathogenic.

Literature cited by the submitters: PubMed 16199547; PubMed 27352968.

NM_006914.4(RORB):c.1001-2A>G

Gene: RORB (RAR related orphan receptor B; plus strand). Cytogenetic location: 9q21.13.
Variant type: single nucleotide variant.
Coding change: c.1001-2A>G on transcript NM_006914.4 (MANE Select); the canonical splice acceptor site of the intron before coding-DNA position 1001, A replaced by G.
Molecular consequence: splice acceptor variant.
Genome position (GRCh38, 1-based): chr9:74,667,789, A>G. VCF-style: chr9-74667789-A-G. GRCh37 (hg19) VCF-style: chr9-77282705-A-G.
Other names: c.1034-2A>G (NM_001365023.1).
Identifiers: ClinVar variation 1067925 (VCV001067925.7), dbSNP rs2118532750, ClinGen allele CA373771246.
Genomic context (GRCh38, chr9:74,667,789, plus strand): 5'-TCTTACTCTTGCCCCATTTCAAGTTCAAGTATTTTTATTCCATTTTTCTTCTTCCTTTAT[A>G]GGTTCTGATGACCTAGTGAATGAAGCATTTGACTTTGCAAAGAATTTGTGTTCCTTGCAG-3'